The following is an entry in ClinVar:

ClinVar aggregate classification (germline): Uncertain significance. Review status: criteria provided, multiple submitters, no conflicts (2 of 4 stars). 3 submissions from 3 submitters: Uncertain significance (3). Last evaluated 2025-11-12.

Conditions:
Inborn genetic diseases. Identifiers: MedGen C0950123, MeSH D030342.

Allele frequency attached by ClinVar (database versions not stated): gnomAD 0.00046 and 0.00050; ESP Exome Variant Server 0.00077; 1000 Genomes Project 30x 0.00016; 1000 Genomes Project 0.00020; gnomAD exomes 0.00004 and 0.00014; ExAC 0.00022; TOPMed 0.00049.
gnomAD v4.1: 133 of 1,613,968 alleles (0.0082%); highest among the groups gnomAD compares: African/African-American, 0.16%; no homozygotes.

Submissions (3):

Ambry Genetics
Classification: Uncertain significance for Inborn genetic diseases. Last evaluated: 2025-11-12. Review status: criteria provided, single submitter. Criteria: Ambry Variant Classification Scheme 2023. Collection method: clinical testing. Allele origin: germline.

GeneDx
Classification: Uncertain significance. Last evaluated: 2024-08-06. Review status: criteria provided, single submitter. Criteria: GeneDx Variant Classification Process June 2021. Collection method: clinical testing. Allele origin: germline. Affected: yes.
Comment: In silico analysis supports that this missense variant has a deleterious effect on protein structure/function; Has not been previously published as pathogenic or benign to our knowledge

Labcorp Genetics (formerly Invitae), Labcorp
Classification: Uncertain significance. Last evaluated: 2022-06-22. Review status: criteria provided, single submitter. Criteria: Invitae Variant Classification Sherloc (09022015). Collection method: clinical testing. Allele origin: germline.
Comment: This sequence change replaces proline, which is neutral and non-polar, with serine, which is neutral and polar, at codon 2222 of the FREM2 protein (p.Pro2222Ser). This variant is present in population databases (rs137899618, gnomAD 0.2%). This variant has not been reported in the literature in individuals affected with FREM2-related conditions. Algorithms developed to predict the effect of missense changes on protein structure and function are either unavailable or do not agree on the potential impact of this missense change (SIFT: "Deleterious"; PolyPhen-2: "Benign"; Align-GVGD: "Class C0"). In summary, the available evidence is currently insufficient to determine the role of this variant in disease. Therefore, it has been classified as a Variant of Uncertain Significance.

NM_207361.6(FREM2):c.6664C>T (p.Pro2222Ser)

Gene: FREM2 (FRAS1 related extracellular matrix 2; plus strand). Cytogenetic location: 13q13.3.
Variant type: single nucleotide variant.
Coding change: c.6664C>T on transcript NM_207361.6 (MANE Select); coding-DNA position 6664, C replaced by T.
Protein change: p.Pro2222Ser; replaces proline 2222 with serine.
Molecular consequence: missense variant.
Genome position (GRCh38, 1-based): chr13:38,851,030, C>T. VCF-style: chr13-38851030-C-T. GRCh37 (hg19) VCF-style: chr13-39425167-C-T.
Other names: short protein forms P2222S.
Identifiers: ClinVar variation 1693336 (VCV001693336.8), dbSNP rs137899618, ClinGen allele CA6955642.